The following is an entry in ClinVar:

NM_004655.4(AXIN2):c.1397C>T (p.Ser466Phe)

Gene: AXIN2 (axin 2; minus strand). Cytogenetic location: 17q24.1.
Variant type: single nucleotide variant.
Coding change: c.1397C>T on transcript NM_004655.4 (MANE Select); coding-DNA position 1397, C replaced by T.
Protein change: p.Ser466Phe; replaces serine 466 with phenylalanine.
Molecular consequence: missense variant.
Genome position (GRCh38, 1-based): chr17:65,537,639, G>A on the plus strand (C>T on the coding strand, the complement: AXIN2 is on the minus strand). VCF-style: chr17-65537639-G-A. GRCh37 (hg19) VCF-style: chr17-63533757-G-A.
Other names: c.1397C>T, p.Ser466Phe (NM_001363813.1); c.1397C>T (LRG_296t1); short protein forms S466F.
Identifiers: ClinVar variation 419561 (VCV000419561.14), dbSNP rs1064793954, ClinGen allele CA16620570.

ClinVar aggregate classification (germline): Uncertain significance. Review status: criteria provided, multiple submitters, no conflicts (2 of 4 stars). 4 submissions from 4 submitters: Uncertain significance (4). Last evaluated 2025-11-27.

Conditions:
Hereditary cancer-predisposing syndrome. Also called: Hereditary neoplastic syndrome; Tumor predisposition; Neoplastic Syndromes, Hereditary; Hereditary Cancer Syndrome. Identifiers: Orphanet 140162, MedGen C0027672, MeSH D009386, MONDO:0015356.
Oligodontia-cancer predisposition syndrome. Also called: TOOTH AGENESIS-COLORECTAL CANCER SYNDROME. Identifiers: Orphanet 300576, MedGen C1837750, MONDO:0012075, OMIM 608615. Disease mechanism: loss of function.
AXIN2-related disorder.

Allele frequency attached by ClinVar (database versions not stated): TOPMed below 0.00001.
gnomAD v4.1: 2 of 1,578,888 alleles (0.00013%); highest among the groups gnomAD compares: Non-Finnish European, 0.00017%; no homozygotes.

Submissions (4):

Ambry Genetics
Classification: Uncertain significance for Hereditary cancer-predisposing syndrome. Last evaluated: 2025-11-27. Review status: criteria provided, single submitter. Criteria: Ambry Variant Classification Scheme 2023. Collection method: clinical testing. Allele origin: germline.
Comment: The p.S466F variant (also known as c.1397C>T), located in coding exon 5 of the AXIN2 gene, results from a C to T substitution at nucleotide position 1397. The serine at codon 466 is replaced by phenylalanine, an amino acid with highly dissimilar properties. This amino acid position is conserved. In addition, the in silico prediction for this alteration is inconclusive. Since supporting evidence is limited at this time, the clinical significance of this alteration remains unclear.

Labcorp Genetics (formerly Invitae), Labcorp
Classification: Uncertain significance for Oligodontia-cancer predisposition syndrome. Last evaluated: 2025-11-16. Review status: criteria provided, single submitter. Criteria: Invitae Variant Classification Sherloc (09022015). Collection method: clinical testing. Allele origin: germline.
Comment: This sequence change replaces serine, which is neutral and polar, with phenylalanine, which is neutral and non-polar, at codon 466 of the AXIN2 protein (p.Ser466Phe). This variant is not present in population databases (gnomAD no frequency). This variant has not been reported in the literature in individuals affected with AXIN2-related conditions. ClinVar contains an entry for this variant (Variation ID: 419561). Invitae Evidence Modeling of protein sequence and biophysical properties (such as structural, functional, and spatial information, amino acid conservation, physicochemical variation, residue mobility, and thermodynamic stability) indicates that this missense variant is expected to disrupt AXIN2 protein function with a positive predictive value of 80%. In summary, the available evidence is currently insufficient to determine the role of this variant in disease. Therefore, it has been classified as a Variant of Uncertain Significance.

PreventionGenetics, part of Exact Sciences
Classification: Uncertain significance for AXIN2-related condition. Last evaluated: 2023-01-17. Review status: criteria provided, single submitter. Criteria: ACMG Guidelines, 2015. Collection method: clinical testing. Allele origin: germline.
Comment: The AXIN2 c.1397C>T variant is predicted to result in the amino acid substitution p.Ser466Phe. To our knowledge, this variant has not been reported in the literature or in a large population database, indicating this variant is rare. At this time, the clinical significance of this variant is uncertain due to the absence of conclusive functional and genetic evidence.

GeneDx
Classification: Uncertain significance. Last evaluated: 2018-04-17. Review status: criteria provided, single submitter. Criteria: GeneDx Variant Classification (06012015). Collection method: clinical testing. Allele origin: germline. Affected: yes.
Comment: This variant is denoted AXIN2 c.1397C>T at the cDNA level, p.Ser466Phe (S466F) at the protein level, and results in the change of a Serine to a Phenylalanine (TCC>TTC). This variant has not, to our knowledge, been published in the literature as pathogenic or benign. AXIN2 Ser466Phe was not observed in large population cohorts (Lek 2016). This variant is located in the beta catenin binding domain (Salahshor 2005). In silico analysis, which includes protein predictors and evolutionary conservation, supports a deleterious effect. Based on currently available evidence, it is unclear whether AXIN2 Ser466Phe is a pathogenic or benign variant. We consider it to be a variant of uncertain significance.